The following is an entry in ClinVar:

NM_004614.5(TK2):c.618+1G>A

Gene: TK2 (thymidine kinase 2; minus strand). Cytogenetic location: 16q21.
Variant type: single nucleotide variant.
Coding change: c.618+1G>A on transcript NM_004614.5 (MANE Select); the canonical splice donor site of the intron after coding-DNA position 618, G replaced by A.
Molecular consequence: splice donor variant. On other transcripts: intron variant (1).
Genome position (GRCh38, 1-based): chr16:66,517,135, C>T on the plus strand (G>A on the coding strand, the complement: TK2 is on the minus strand). VCF-style: chr16-66517135-C-T. GRCh37 (hg19) VCF-style: chr16-66551038-C-T.
Other names: c.357-3324G>A (NM_001271935.1); c.525+1G>A (NM_001172643.1); c.543+1G>A (NM_001172644.2); c.564+1G>A (NM_001172645.2); c.471+1G>A (NM_001271934.2); c.327+1G>A (NM_001272050.2).
Identifiers: ClinVar variation 2993809 (VCV002993809.3), dbSNP rs759074487, ClinGen allele CA396187608.

ClinVar aggregate classification (germline): Likely pathogenic (1 of 4 stars; one submission).

gnomAD v4.1: 9 of 1,614,066 alleles (0.00056%); highest among the groups gnomAD compares: Non-Finnish European, 0.00076%; no homozygotes.

Submission:

Labcorp Genetics (formerly Invitae), Labcorp
Classification: Likely pathogenic. Last evaluated: 2023-06-13. Review status: criteria provided, single submitter. Criteria: Invitae Variant Classification Sherloc (09022015). Collection method: clinical testing. Allele origin: germline.
Comment: This variant has not been reported in the literature in individuals affected with TK2-related conditions. In summary, the currently available evidence indicates that the variant is pathogenic, but additional data are needed to prove that conclusively. Therefore, this variant has been classified as Likely Pathogenic. Algorithms developed to predict the effect of sequence changes on RNA splicing suggest that this variant may disrupt the consensus splice site. This variant is not present in population databases (gnomAD no frequency). This sequence change affects a donor splice site in intron 8 of the TK2 gene. It is expected to disrupt RNA splicing. Variants that disrupt the donor or acceptor splice site typically lead to a loss of protein function (PMID: 16199547), and loss-of-function variants in TK2 are known to be pathogenic (PMID: 20421844).

Literature cited by the submitters: PubMed 16199547; PubMed 20421844.